The following is an entry in ClinVar:

ClinVar aggregate classification (germline): Uncertain significance (1 of 4 stars; one submission).

Conditions:
Cardiofaciocutaneous syndrome 4 (CFC4). Also called: MAP2K2-Related Cardiofaciocutaneous Syndrome. Identifiers: Orphanet 1340, MedGen C3809007, MONDO:0014114, OMIM 615280.

Submission:

Laboratorio de Biologia Molecular - Genetica, Hospital de Pediatria Garrahan
Classification: Uncertain significance for Cardiofaciocutaneous syndrome 4. Review status: criteria provided, single submitter. Criteria: Wilcox et al. (Genet Med Open. 2025). Collection method: clinical testing. Allele origin: maternal. Inheritance: Autosomal dominant inheritance. Affected: yes. Observed: 1 variant allele, 1 heterozygote.
Comment: The variant is not present in gnomaAD database. In silico analysis reveals a deleterious effect (revel score: 0.87). Therefore the variant is classified as a variant of uncertain significance.

NM_030662.4(MAP2K2):c.272A>G (p.His91Arg)

Gene: MAP2K2 (mitogen-activated protein kinase kinase 2; minus strand). Cytogenetic location: 19p13.3.
Variant type: single nucleotide variant.
Coding change: c.272A>G on transcript NM_030662.4 (MANE Select); coding-DNA position 272, A replaced by G.
Protein change: p.His91Arg; replaces histidine 91 with arginine.
Molecular consequence: missense variant.
Genome position (GRCh38, 1-based): chr19:4,117,450, T>C on the plus strand (A>G on the coding strand, the complement: MAP2K2 is on the minus strand). VCF-style: chr19-4117450-T-C. GRCh37 (hg19) VCF-style: chr19-4117448-T-C.
Other names: c.272A>G, p.His91Arg (NM_001440688.1); short protein forms H91R.
Identifiers: ClinVar variation 4857680 (VCV004857680.1).
Genomic context (GRCh38, chr19:4,117,450, plus strand): 5'-CCCGACCTCCCCGACCCCGCAGTGCTCACCTTCCTGGCCATGATGAGGCCCGAGGGTCTG[T>C]GCTGGACTTTGGTGACCACCCCGCCGTTGCCCGCGCCCAGCTCTGAGATCCTTTCGAAGT-3'
Protein context (NP_109587.1, residues 81-101): GNGGVVTKVQ[His91Arg]RPSGLIMARK